The following is an entry in ClinVar:

NM_000307.5(POU3F4):c.483C>A (p.Ser161Arg)

Gene: POU3F4 (POU class 3 homeobox 4; plus strand). Cytogenetic location: Xq21.1.
Variant type: single nucleotide variant.
Coding change: c.483C>A on transcript NM_000307.5 (MANE Select); coding-DNA position 483, C replaced by A.
Protein change: p.Ser161Arg; replaces serine 161 with arginine.
Molecular consequence: missense variant.
Genome position (GRCh38, 1-based): chrX:83,508,807, C>A. VCF-style: chrX-83508807-C-A. GRCh37 (hg19) VCF-style: chrX-82763815-C-A.
Other names: short protein forms S161R.
Identifiers: ClinVar variation 164973 (VCV000164973.5), dbSNP rs727503376, ClinGen allele CA177647.

ClinVar aggregate classification (germline): Uncertain significance (1 of 4 stars; one submission).

Allele frequency attached by ClinVar (database versions not stated): gnomAD exomes below 0.00001 and 0.00001; TOPMed 0.00001; ExAC 0.00002; gnomAD 0.00002 and 0.00003.

Submission:

Laboratory for Molecular Medicine, Mass General Brigham Personalized Medicine
Classification: Uncertain significance. Last evaluated: 2014-06-24. Review status: criteria provided, single submitter. Criteria: LMM Criteria. Collection method: clinical testing. Allele origin: germline. Observed: 1 variant allele.
Comment: The Ser161Arg variant in POU3F4 has not been previously reported in individuals with hearing loss. Data from large population studies are insufficient to assess the frequency of this variant. Computational prediction tools and conservation analyses do not provide strong support for or against an impact to the protein. In summary, the clinical significance of the Ser161Arg variant is uncertain.